The following is an entry in ClinVar:

NM_177438.3(DICER1):c.4101C>A (p.Ser1367Arg)

Gene: DICER1 (dicer 1, ribonuclease III; minus strand). Cytogenetic location: 14q32.13.
Variant type: single nucleotide variant.
Coding change: c.4101C>A on transcript NM_177438.3 (MANE Select); coding-DNA position 4101, C replaced by A.
Protein change: p.Ser1367Arg; replaces serine 1367 with arginine.
Molecular consequence: missense variant. On other transcripts: non-coding transcript variant (6).
Genome position (GRCh38, 1-based): chr14:95,099,885, G>T on the plus strand (C>A on the coding strand, the complement: DICER1 is on the minus strand). VCF-style: chr14-95099885-G-T. GRCh37 (hg19) VCF-style: chr14-95566222-G-T.
Other names: c.3696C>A, p.Ser1232Arg (NM_001395688.1, NM_001395689.1, NM_001395690.1 and 2 more transcripts); c.3534C>A, p.Ser1178Arg (NM_001395691.1); c.4101C>A, p.Ser1367Arg (NM_001395692.1, NM_001395693.1, NM_001395678.1 and 13 more transcripts); c.3819C>A, p.Ser1273Arg (NM_001395686.1); c.2418C>A, p.Ser806Arg (NM_001395697.1); short protein forms S1232R, S1367R, S1273R, S806R, S1178R.
Identifiers: ClinVar variation 2472508 (VCV002472508.2), dbSNP rs370897400, ClinGen allele CA390872131.

ClinVar aggregate classification (germline): Uncertain significance (1 of 4 stars; one submission).

Conditions:
Hereditary cancer-predisposing syndrome. Also called: Neoplastic Syndromes, Hereditary; Hereditary neoplastic syndrome; Tumor predisposition; Hereditary Cancer Syndrome. Identifiers: Orphanet 140162, MedGen C0027672, MeSH D009386, MONDO:0015356.

Submission:

Ambry Genetics
Classification: Uncertain significance for Hereditary cancer-predisposing syndrome. Last evaluated: 2022-11-06. Review status: criteria provided, single submitter. Criteria: Ambry Variant Classification Scheme 2023. Collection method: clinical testing. Allele origin: germline.
Comment: The p.S1367R variant (also known as c.4101C>A), located in coding exon 21 of the DICER1 gene, results from a C to A substitution at nucleotide position 4101. The serine at codon 1367 is replaced by arginine, an amino acid with dissimilar properties. This amino acid position is conserved. In addition, this alteration is predicted to be deleterious by in silico analysis. Since supporting evidence is limited at this time, the clinical significance of this alteration remains unclear.